The following is an entry in ClinVar:

NM_001005273.3(CHD3):c.2232G>A (p.Leu744=)

Gene: CHD3 (chromodomain helicase DNA binding protein 3; plus strand). Cytogenetic location: 17p13.1.
Variant type: single nucleotide variant.
Coding change: c.2232G>A on transcript NM_001005273.3 (MANE Select); coding-DNA position 2232, G replaced by A.
Protein change: p.Leu744=; no amino-acid change (leucine 744 retained).
Molecular consequence: synonymous variant.
Genome position (GRCh38, 1-based): chr17:7,899,091, G>A. VCF-style: chr17-7899091-G-A. GRCh37 (hg19) VCF-style: chr17-7802409-G-A.
Other names: c.2409G>A, p.Leu803= (NM_001005271.3); c.2232G>A, p.Leu744= (NM_005852.4).
Identifiers: ClinVar variation 3052807 (VCV003052807.8), dbSNP rs879455439, ClinGen allele CA287493036.

ClinVar aggregate classification (germline): Likely benign. Review status: criteria provided, multiple submitters, no conflicts (2 of 4 stars). 3 submissions from 3 submitters: Likely benign (2). 1 of the submissions does not count toward it. Last evaluated 2025-12-01.

Conditions:
CHD3-related disorder. Also called: CHD3-related condition.

Allele frequency attached by ClinVar (database versions not stated): gnomAD exomes below 0.00001.

Submissions (3):

CeGaT Center for Human Genetics Tuebingen
Classification: Likely benign. Last evaluated: 2025-12-01. Review status: criteria provided, single submitter. Criteria: CeGaT Center For Human Genetics Tuebingen Variant Classification Criteria Version 2. Collection method: clinical testing. Allele origin: germline. Affected: yes. Observed: 1 variant allele.
Comment: CHD3: BP4, BP7

Blueprint Genetics
Classification: Likely benign. Last evaluated: 2024-11-21. Review status: criteria provided, single submitter. Criteria: ACMG Guidelines, 2015. Collection method: clinical testing. Allele origin: germline.

PreventionGenetics, part of Exact Sciences
Classification: Likely benign for CHD3-related condition. Last evaluated: 2019-08-14. Review status: no assertion criteria provided. Collection method: clinical testing. Allele origin: germline. Not counted in ClinVar's aggregate classification.
Comment: This variant is classified as likely benign based on ACMG/AMP sequence variant interpretation guidelines (Richards et al. 2015 PMID: 25741868, with internal and published modifications).